The following is an entry in ClinVar:

ClinVar aggregate classification (germline): Conflicting classifications of pathogenicity. Review status: criteria provided, conflicting classifications (1 of 4 stars). 2 submissions from 2 submitters: Uncertain significance (1); Likely benign (1). Last evaluated 2025-07-14.

Conditions:
Cardiovascular phenotype. Identifiers: MedGen CN230736.

gnomAD v4.1: 13 of 1,614,084 alleles (0.00081%); highest among the groups gnomAD compares: Non-Finnish European, 0.0011%; no homozygotes.

Submissions (2):

Ambry Genetics
Classification: Likely benign for Cardiovascular phenotype. Last evaluated: 2025-07-14. Review status: criteria provided, single submitter. Criteria: Ambry Variant Classification Scheme 2023. Collection method: clinical testing. Allele origin: germline.

GeneDx
Classification: Uncertain significance. Last evaluated: 2024-05-10. Review status: criteria provided, single submitter. Criteria: GeneDx Variant Classification Process June 2021. Collection method: clinical testing. Allele origin: germline. Affected: yes.
Comment: Not observed at significant frequency in large population cohorts (gnomAD); In silico analysis indicates that this missense variant does not alter protein structure/function; Has not been previously published as pathogenic or benign to our knowledge

NM_001378454.1(ALMS1):c.3089C>T (p.Ser1030Leu)

Gene: ALMS1 (ALMS1 centrosome and basal body associated protein; plus strand). Cytogenetic location: 2p13.1.
Variant type: single nucleotide variant.
Coding change: c.3089C>T on transcript NM_001378454.1 (MANE Select); coding-DNA position 3089, C replaced by T.
Protein change: p.Ser1030Leu; replaces serine 1030 with leucine.
Molecular consequence: missense variant.
Genome position (GRCh38, 1-based): chr2:73,449,616, C>T. VCF-style: chr2-73449616-C-T. GRCh37 (hg19) VCF-style: chr2-73676743-C-T.
Other names: c.3092C>T, p.Ser1031Leu (NM_015120.4); short protein forms S1030L, S1031L.
Identifiers: ClinVar variation 3375714 (VCV003375714.2).